The following is an entry in ClinVar:

NM_001999.4(FBN2):c.7115G>C (p.Ser2372Thr)

Gene: FBN2 (fibrillin 2; minus strand). Cytogenetic location: 5q23.3.
Variant type: single nucleotide variant.
Coding change: c.7115G>C on transcript NM_001999.4 (MANE Select); coding-DNA position 7115, G replaced by C.
Protein change: p.Ser2372Thr; replaces serine 2372 with threonine.
Molecular consequence: missense variant.
Genome position (GRCh38, 1-based): chr5:128,280,215, C>G on the plus strand (G>C on the coding strand, the complement: FBN2 is on the minus strand). VCF-style: chr5-128280215-C-G. GRCh37 (hg19) VCF-style: chr5-127615907-C-G.
Other names: c.7115G>C (NM_001999.3); short protein forms S2372T.
Identifiers: ClinVar variation 3014437 (VCV003014437.4), dbSNP rs1373495300, ClinGen allele CA360757590.

ClinVar aggregate classification (germline): Uncertain significance. Review status: criteria provided, multiple submitters, no conflicts (2 of 4 stars). 2 submissions from 2 submitters: Uncertain significance (2). Last evaluated 2023-12-11.

Conditions:
Congenital contractural arachnodactyly (CCA). Also called: BEALS SYNDROME; Beals-Hecht syndrome; Arthrogryposis, distal, type 9. Identifiers: Orphanet 115, MedGen C0220668, MONDO:0007363, OMIM 121050.
Familial thoracic aortic aneurysm and aortic dissection (TAAD). Also called: Thoracic aortic aneurysms and dissections. Identifiers: Orphanet 91387, MedGen C4707243, MONDO:0019625.

Allele frequency attached by ClinVar (database versions not stated): gnomAD exomes 0.00001.
gnomAD v4.1: 11 of 1,612,524 alleles (0.00068%); highest among the groups gnomAD compares: Non-Finnish European, 0.00093%; no homozygotes.

Submissions (2):

Ambry Genetics
Classification: Uncertain significance for Familial thoracic aortic aneurysm and aortic dissection. Last evaluated: 2023-12-11. Review status: criteria provided, single submitter. Criteria: Ambry Variant Classification Scheme 2023. Collection method: clinical testing. Allele origin: germline.
Comment: The p.S2372T variant (also known as c.7115G>C), located in coding exon 56 of the FBN2 gene, results from a G to C substitution at nucleotide position 7115. The serine at codon 2372 is replaced by threonine, an amino acid with similar properties. This amino acid position is well conserved in available vertebrate species. In addition, the in silico prediction for this alteration is inconclusive. Since supporting evidence is limited at this time, the clinical significance of this alteration remains unclear.

Labcorp Genetics (formerly Invitae), Labcorp
Classification: Uncertain significance for Congenital contractural arachnodactyly. Last evaluated: 2023-04-17. Review status: criteria provided, single submitter. Criteria: Invitae Variant Classification Sherloc (09022015). Collection method: clinical testing. Allele origin: germline.
Comment: This sequence change replaces serine, which is neutral and polar, with threonine, which is neutral and polar, at codon 2372 of the FBN2 protein (p.Ser2372Thr). This variant is present in population databases (no rsID available, gnomAD 0.0009%). This variant has not been reported in the literature in individuals affected with FBN2-related conditions. Advanced modeling of protein sequence and biophysical properties (such as structural, functional, and spatial information, amino acid conservation, physicochemical variation, residue mobility, and thermodynamic stability) performed at Invitae indicates that this missense variant is not expected to disrupt FBN2 protein function. In summary, the available evidence is currently insufficient to determine the role of this variant in disease. Therefore, it has been classified as a Variant of Uncertain Significance.